The following is an entry in ClinVar:

ClinVar aggregate classification (germline): Pathogenic (1 of 4 stars; one submission).

Submission:

Labcorp Genetics (formerly Invitae), Labcorp
Classification: Pathogenic. Last evaluated: 2022-07-06. Review status: criteria provided, single submitter. Criteria: Invitae Variant Classification Sherloc (09022015). Collection method: clinical testing. Allele origin: germline.
Comment: For these reasons, this variant has been classified as Pathogenic. This variant has not been reported in the literature in individuals affected with RUSC2-related conditions. This variant is not present in population databases (gnomAD no frequency). This sequence change creates a premature translational stop signal (p.Ile929Asnfs*3) in the RUSC2 gene. It is expected to result in an absent or disrupted protein product. Loss-of-function variants in RUSC2 are known to be pathogenic (PMID: 27612186).

Literature cited by the submitters: PubMed 27612186.

NM_014806.5(RUSC2):c.2785dup (p.Ile929fs)

Gene: RUSC2 (RUN and SH3 domain containing 2; plus strand). Cytogenetic location: 9p13.3.
Variant type: Duplication.
Coding change: c.2785dup on transcript NM_014806.5 (MANE Select); coding-DNA position 2785, one base duplicated (A; older notation c.2785dupA).
Protein change: p.Ile929fs; shifts the reading frame from isoleucine 929.
Molecular consequence: frameshift variant. On other transcripts: non-coding transcript variant (1).
Genome position (GRCh38, 1-based): chr9:35,556,080, A duplicated. VCF-style (leftmost placement, unchanged base first): chr9-35556079-T-TA. GRCh37 (hg19) VCF-style: chr9-35556076-T-TA.
Other names: c.2785dup, p.Ile929fs (NM_001135999.2); c.151dup, p.Ile51fs (NM_001330740.2); short protein forms I51fs, I929fs.
Identifiers: ClinVar variation 2014416 (VCV002014416.4), dbSNP rs2490405029, ClinGen allele CA2580080438.